The following is an entry in ClinVar:

ClinVar aggregate classification (germline): Likely pathogenic (1 of 4 stars; one submission).

Conditions:
Cardiovascular phenotype. Identifiers: MedGen CN230736.

Submission:

Ambry Genetics
Classification: Likely pathogenic for Cardiovascular phenotype. Last evaluated: 2023-04-18. Review status: criteria provided, single submitter. Criteria: Ambry Variant Classification Scheme 2023. Collection method: clinical testing. Allele origin: germline.
Comment: The p.E6030* variant (also known as c.18088G>T), located in coding exon 72 of the TTN gene, results from a G to T substitution at nucleotide position 18088. This changes the amino acid from a glutamic acid to a stop codon within coding exon 72. This exon is located in the I-band region of the N2-B isoform of the titin protein and is constitutively expressed in TTN transcripts (percent spliced in or PSI 100%). This variant is considered to be rare based on population cohorts in the Genome Aggregation Database (gnomAD). This alteration is expected to result in loss of function by premature protein truncation or nonsense-mediated mRNA decay. While truncating variants in TTN are present in 1-3% of the general population, truncating variants in the A-band are the most common cause of dilated cardiomyopathy (DCM) (Herman DS et al. N. Engl. J. Med., 2012 Feb;366:619-28; Roberts AM et al. Sci Transl Med, 2015 Jan;7:270ra6). TTN truncating variants encoded in constitutive exons (PSI >90%) have been found to be significantly associated with DCM regardless of their position in titin (Schafer S et al. Nat. Genet., 2017 01;49:46-53). Based on the majority of available evidence to date, this variant is likely to be pathogenic.

NM_001267550.2(TTN):c.45283G>T (p.Glu15095Ter)

Genes: TTN (titin; minus strand), LOC126806427 (BRD4-independent group 4 enhancer GRCh37_chr2:179485777-179486976; plus strand). Cytogenetic location: 2q31.2.
Variant type: single nucleotide variant.
Coding change: c.45283G>T on transcript NM_001267550.2 (MANE Select); coding-DNA position 45283, G replaced by T.
Protein change: p.Glu15095Ter; replaces glutamic acid 15095 with a stop codon.
Molecular consequence: nonsense.
Genome position (GRCh38, 1-based): chr2:178,621,541, C>A on the plus strand (G>T on the coding strand, the complement: TTN is on the minus strand). VCF-style: chr2-178621541-C-A. GRCh37 (hg19) VCF-style: chr2-179486268-C-A.
Other names: c.40360G>T, p.Glu13454Ter (NM_001256850.1); c.18088G>T, p.Glu6030Ter (NM_003319.4); c.37579G>T, p.Glu12527Ter (NM_133378.4); c.18463G>T, p.Glu6155Ter (NM_133432.3); c.18664G>T, p.Glu6222Ter (NM_133437.4); short protein forms E12527*, E6155*, E13454*, E6030*, E15095*, E6222*.
Identifiers: ClinVar variation 2566386 (VCV002566386.2), dbSNP rs2154212024, ClinGen allele CA349635315.
Genomic context (GRCh38, chr2:178,621,541, plus strand): 5'-CTTTGACTTTGCCATCGGTTCGAGAGCTTGGGAGTCGACAGTTGTAGTTGCCAGCATCCT[C>A]AAGGTGAGCGTTCTGAATGACCAGGATTCTCTTCCGTCCTTCAGTCAGTATTTCATATCT-3'